The following is an entry in ClinVar:

ClinVar aggregate classification (germline): Uncertain significance (1 of 4 stars; one submission).

Submission:

Labcorp Genetics (formerly Invitae), Labcorp
Classification: Uncertain significance. Last evaluated: 2022-03-27. Review status: criteria provided, single submitter. Criteria: Invitae Variant Classification Sherloc (09022015). Collection method: clinical testing. Allele origin: germline.
Comment: In summary, the available evidence is currently insufficient to determine the role of this variant in disease. Therefore, it has been classified as a Variant of Uncertain Significance. Advanced modeling of protein sequence and biophysical properties (such as structural, functional, and spatial information, amino acid conservation, physicochemical variation, residue mobility, and thermodynamic stability) performed at Invitae indicates that this missense variant is not expected to disrupt CACNA1B protein function. This variant has not been reported in the literature in individuals affected with CACNA1B-related conditions. This variant is not present in population databases (gnomAD no frequency). This sequence change replaces glycine, which is neutral and non-polar, with alanine, which is neutral and non-polar, at codon 1992 of the CACNA1B protein (p.Gly1992Ala).

NM_000718.4(CACNA1B):c.5975G>C (p.Gly1992Ala)

Gene: CACNA1B (calcium voltage-gated channel subunit alpha1 B; plus strand). Cytogenetic location: 9q34.3.
Variant type: single nucleotide variant.
Coding change: c.5975G>C on transcript NM_000718.4 (MANE Select); coding-DNA position 5975, G replaced by C.
Protein change: p.Gly1992Ala; replaces glycine 1992 with alanine.
Molecular consequence: missense variant.
Genome position (GRCh38, 1-based): chr9:138,118,713, G>C. VCF-style: chr9-138118713-G-C. GRCh37 (hg19) VCF-style: chr9-141013165-G-C.
Other names: c.5975G>C, p.Gly1992Ala (NM_001243812.2); short protein forms G1992A.
Identifiers: ClinVar variation 1950902 (VCV001950902.5), dbSNP rs2539609566, ClinGen allele CA375820142.